The following is an entry in ClinVar:

ClinVar aggregate classification (germline): Benign/Likely benign. Review status: criteria provided, multiple submitters, no conflicts (2 of 4 stars). 13 submissions from 13 submitters: Benign (6); Likely benign (6). 1 of the submissions does not count toward it. Last evaluated 2026-09-01.

Conditions:
APC-related disorder. Also called: APC-related condition.
Hereditary cancer-predisposing syndrome. Also called: Hereditary neoplastic syndrome; Tumor predisposition; Neoplastic Syndromes, Hereditary; Hereditary Cancer Syndrome. Identifiers: Orphanet 140162, MedGen C0027672, MeSH D009386, MONDO:0015356.
Familial adenomatous polyposis 1 (FAP1). Also called: FAMILIAL ADENOMATOUS POLYPOSIS 1, ATTENUATED; POLYPOSIS, ADENOMATOUS INTESTINAL. Identifiers: MedGen C2713442, MONDO:0021056, OMIM 175100. Disease mechanism: loss of function.

Allele frequency attached by ClinVar (database versions not stated): ExAC 0.00009; gnomAD exomes 0.00010; TOPMed 0.00047; gnomAD 0.00048 and 0.00050; ESP Exome Variant Server 0.00054; 1000 Genomes Project 0.00060; 1000 Genomes Project 30x 0.00094.
gnomAD v4.1: 114 of 1,613,154 alleles (0.0071%); highest among the groups gnomAD compares: African/African-American, 0.14%; no homozygotes.

Submissions (13):

CeGaT Center for Human Genetics Tuebingen
Classification: Likely benign. Last evaluated: 2026-09-01. Review status: criteria provided, single submitter. Criteria: CeGaT Center For Human Genetics Tuebingen Variant Classification Criteria Version 2. Collection method: clinical testing. Allele origin: germline. Affected: yes. Observed: 1 variant allele.
Comment: APC: BP4, BS1

Dasa
Classification: Likely benign. Last evaluated: 2026-03-04. Review status: criteria provided, single submitter. Criteria: DASA Assertion Criteria. Collection method: clinical testing. Allele origin: germline.
Comment: NM_000038.6(APC):c.3739G>A (p.Ala1247Thr) is interpreted based on available population and clinical evidence, including population frequency and no convincing observation in affected individuals. Based on the available data, this variant is classified as likely benign.

Labcorp Genetics (formerly Invitae), Labcorp
Classification: Benign for Familial adenomatous polyposis 1. Last evaluated: 2026-02-03. Review status: criteria provided, single submitter. Criteria: Invitae Variant Classification Sherloc (09022015). Collection method: clinical testing. Allele origin: germline.

Center for Genomic Medicine, Rigshospitalet, Copenhagen University Hospital
Classification: Likely benign. Last evaluated: 2025-12-29. Review status: criteria provided, single submitter. Criteria: ACMG Guidelines, 2015. Collection method: clinical testing. Allele origin: germline.
Comment: Classification criteria: BS1, BP1

Color Diagnostics, LLC DBA Color Health
Classification: Benign for Hereditary cancer-predisposing syndrome. Last evaluated: 2024-09-19. Review status: criteria provided, single submitter. Criteria: ACMG Guidelines, 2015. Collection method: clinical testing. Allele origin: germline.

Myriad Genetics, Inc.
Classification: Likely benign for Familial adenomatous polyposis 1. Last evaluated: 2024-03-22. Review status: criteria provided, single submitter. Criteria: Myriad Autosomal Dominant, Autosomal Recessive and X-Linked Classification Criteria (2023). Collection method: clinical testing. Allele origin: unknown.
Comment: This variant is considered likely benign. This variant has been observed at a population frequency that is significantly greater than expected given the associated disease prevalence and penetrance.

Quest Diagnostics Nichols Institute San Juan Capistrano
Classification: Benign. Last evaluated: 2023-04-12. Review status: criteria provided, single submitter. Criteria: Quest Diagnostics criteria. Collection method: clinical testing. Allele origin: unknown.

Sema4
Classification: Benign for Hereditary cancer-predisposing syndrome. Last evaluated: 2021-08-23. Review status: criteria provided, single submitter. Criteria: Sema4 Curation Guidelines. Collection method: curation. Allele origin: germline.

GeneDx
Classification: Likely benign. Last evaluated: 2021-05-10. Review status: criteria provided, single submitter. Criteria: GeneDx Variant Classification Process June 2021. Collection method: clinical testing. Allele origin: germline. Affected: yes.
Comment: This variant is associated with the following publications: (PMID: 18199528, 24599579, 28576136, 28135145)

Women's Health and Genetics/Laboratory Corporation of America, LabCorp
Classification: Benign. Last evaluated: 2019-11-08. Review status: criteria provided, single submitter. Criteria: LabCorp Variant Classification Summary - May 2015. Collection method: clinical testing. Allele origin: germline.
Comment: Variant summary: APC c.3739G>A (p.Ala1247Thr) results in a non-conservative amino acid change in the encoded protein sequence. Four of five in-silico tools predict a benign effect of the variant on protein function. The variant allele was found at a frequency of 0.00015 in 282824 control chromosomes, predominantly at a frequency of 0.0016 within the African or African-American subpopulation in the gnomAD database. The observed variant frequency within African or African-American control individuals in the gnomAD database is approximately 22 fold of the estimated maximal expected allele frequency for a pathogenic variant in APC causing Familial Adenomatous Polyposis phenotype (7.1e-05), strongly suggesting that the variant is a benign polymorphism found primarily in populations of African or African-American origin. c.3739G>A has been reported in the literature in individuals affected with Familial Adenomatous Polyposis and colorectal cancer (Azzopard_2008, Grandval_2014, Yurgelun_2017). These reports do not provide unequivocal conclusions about association of the variant with Familial Adenomatous Polyposis. In addition, Grandval_2014 reports co-occurrence with another pathogenic APC variant (c.3201dup, p.Ser1068Ilefs*13), providing supporting evidence for a benign role. To our knowledge, no experimental evidence demonstrating an impact on protein function has been reported. Four ClinVar submitters (evaluation after 2014) cite the variant as benign/likely benign. Based on the evidence outlined above, the variant was classified as benign.

Ambry Genetics
Classification: Benign for Hereditary cancer-predisposing syndrome. Last evaluated: 2015-05-14. Review status: criteria provided, single submitter. Criteria: Ambry Variant Classification Scheme 2023. Collection method: clinical testing. Allele origin: germline.

Breakthrough Genomics
Classification: Likely benign. Review status: criteria provided, single submitter. Criteria: ACMG Guidelines, 2015. Collection method: not provided. Allele origin: germline. Inheritance: Autosomal dominant inheritance. Affected: yes.

PreventionGenetics, part of Exact Sciences
Classification: Likely benign for APC-related condition. Last evaluated: 2020-09-17. Review status: no assertion criteria provided. Collection method: clinical testing. Allele origin: germline. Not counted in ClinVar's aggregate classification.
Comment: This variant is classified as likely benign based on ACMG/AMP sequence variant interpretation guidelines (Richards et al. 2015 PMID: 25741868, with internal and published modifications).

Literature cited by the submitters: PubMed 28135145 (cited by Quest Diagnostics Nichols Institute San Juan Capistrano and Women's Health and Genetics/Laboratory Corporation of America, LabCorp); PubMed 18199528 (cited by Quest Diagnostics Nichols Institute San Juan Capistrano and Women's Health and Genetics/Laboratory Corporation of America, LabCorp); PubMed 28576136 (cited by Quest Diagnostics Nichols Institute San Juan Capistrano); PubMed 24599579 (cited by Women's Health and Genetics/Laboratory Corporation of America, LabCorp).

NM_000038.6(APC):c.3739G>A (p.Ala1247Thr)

Gene: APC (APC regulator of Wnt signaling pathway; plus strand). Cytogenetic location: 5q22.2.
Variant type: single nucleotide variant.
Coding change: c.3739G>A on transcript NM_000038.6 (MANE Select); coding-DNA position 3739, G replaced by A.
Protein change: p.Ala1247Thr; replaces alanine 1247 with threonine.
Molecular consequence: missense variant.
Genome position (GRCh38, 1-based): chr5:112,839,333, G>A. VCF-style: chr5-112839333-G-A. GRCh37 (hg19) VCF-style: chr5-112175030-G-A.
Other names: c.3739G>A, p.Ala1247Thr (NM_001127510.3, NM_001354895.2); c.3685G>A, p.Ala1229Thr (NM_001127511.3); c.3793G>A, p.Ala1265Thr (NM_001354896.2); c.3769G>A, p.Ala1257Thr (NM_001354897.2); c.3664G>A, p.Ala1222Thr (NM_001354898.2); c.3655G>A, p.Ala1219Thr (NM_001354899.2); c.3616G>A, p.Ala1206Thr (NM_001354900.2); c.3562G>A, p.Ala1188Thr (NM_001354901.2); and 5 more; short protein forms A1229T, A1247T, A1146T, A1222T, A1156T, A1206T, A1265T, A964T.
Identifiers: ClinVar variation 184543 (VCV000184543.30), dbSNP rs148223181, ClinGen allele CA008662.